The following is an entry in ClinVar:

ClinVar aggregate classification (germline): Conflicting classifications of pathogenicity. Review status: criteria provided, conflicting classifications (1 of 4 stars). 5 submissions from 5 submitters: Pathogenic (1); Likely pathogenic (3); Uncertain significance (1). Last evaluated 2026-07-10.

Conditions:
ACTA1-related disorder. Also called: ACTA1-related condition.
Congenital myopathy 2c, severe infantile, autosomal dominant (CMYO2C). Identifiers: MedGen C5830333, MONDO:0859523, OMIM 620278.
Actin accumulation myopathy (CMYO2A). Also called: CONGENITAL MYOPATHY 2A, TYPICAL, AUTOSOMAL DOMINANT; Myopathy, actin, congenital, with excess of thin myofilaments; Myopathy, actin, congenital, with cores; Nemaline myopathy 3, with intranuclear rods; Nemaline myopathy type 3. Identifiers: Orphanet 98904, MedGen C3711389, MONDO:0008070, OMIM 161800.

Submissions (5):

3billion
Classification: Likely pathogenic for Congenital myopathy 2c, severe infantile, autosomal dominant. Last evaluated: 2026-07-10. Review status: criteria provided, single submitter. Criteria: ACMG Guidelines, 2015. Collection method: clinical testing. Allele origin: germline. Inheritance: Autosomal dominant inheritance. Affected: yes.
Comment: The variant is not observed in the gnomAD v4.1.0 dataset. Predicted Consequence/Location: Missense variant. Missense changes are a common disease-causing mechanism. In silico tool predictions suggest damaging effect of the variant on gene or gene product [REVEL: 0.947 (>= 0.644, sensitivity 0.68 and specificity 0.92); 3Cnet: 0.990 (>= 0.75, sensitivity 0.96 and precision 0.92)]. The same nucleotide change resulting in the same amino acid change has been previously reported to be associated with ACTA1-related disorder (ClinVar ID: VCV000560935.5 / PMID: 19562689). The variant has been previously reported as assumed (i.e. paternity and maternity not confirmed) de novo in at least two similarly affected unrelated individuals (ClinVar ID: SCV000807334, SCV007592006). Therefore, this variant is classified as Likely pathogenic (PS1_P, PM2_P, PM6_M, PP2_P, PP3_M) according to the recommendation of ACMG/AMP guideline.

Center for Human Genetics and Genomic Medicine, Uniklinik Rwth Aachen
Classification: Pathogenic for Actin accumulation myopathy. Last evaluated: 2026-03-27. Review status: criteria provided, single submitter. Criteria: ACMG Guidelines, 2015. Collection method: clinical testing. Allele origin: de novo. Affected: yes.

Department of Molecular Genetics, Istishari Arab Hospital
Classification: Likely pathogenic for Congenital myopathy 2c, severe infantile, autosomal dominant. Last evaluated: 2025-10-09. Review status: criteria provided, single submitter. Criteria: ACMG Guidelines, 2015. Collection method: clinical testing. Allele origin: germline. Inheritance: Autosomal dominant inheritance. Affected: yes.
Comment: The ACTA1 variant c.539T>C, p.Leu180Pro creates an amino acid change from Leu to Pro at position 180. This variant has been previously reported to be associated with ACTA1-related disorder (PMID: 19562689). The variant is not observed in the gnomAD v4.1.0 dataset. It is classified as likely pathogenic (class 2) according to the recommendations of ACMG/AMP/ClinGen SVI guidelines.

Blueprint Genetics
Classification: Likely pathogenic for ACTA1-related disorders. Last evaluated: 2022-05-20. Review status: criteria provided, single submitter. Criteria: ACMG Guidelines, 2015. Collection method: clinical testing. Allele origin: germline. Affected: yes. Observed: 1 variant allele.

Baylor Genetics
Classification: Uncertain significance for Actin accumulation myopathy. Last evaluated: 2017-09-01. Review status: criteria provided, single submitter. Criteria: ACMG Guidelines, 2015. Collection method: clinical testing. Allele origin: de novo. Inheritance: Autosomal dominant inheritance. Affected: yes.
Comment: This mutation has been previously described in the literature, although without sufficient information to definitively classify it as disease-causing.

Literature cited by the submitters: PubMed 19562689 (cited by 3 submitters); PubMed 25326635 (cited by Baylor Genetics).

NM_001100.4(ACTA1):c.539T>C (p.Leu180Pro)

Gene: ACTA1 (actin alpha 1, skeletal muscle; minus strand). Cytogenetic location: 1q42.13.
Variant type: single nucleotide variant.
Coding change: c.539T>C on transcript NM_001100.4 (MANE Select); coding-DNA position 539, T replaced by C.
Protein change: p.Leu180Pro; replaces leucine 180 with proline.
Molecular consequence: missense variant.
Genome position (GRCh38, 1-based): chr1:229,432,347, A>G on the plus strand (T>C on the coding strand, the complement: ACTA1 is on the minus strand). VCF-style: chr1-229432347-A-G. GRCh37 (hg19) VCF-style: chr1-229568094-A-G.
Other names: p.Leu180Pro; short protein forms L180P.
Identifiers: ClinVar variation 560935 (VCV000560935.7), dbSNP rs1558081797, ClinGen allele CA345148327.